The following is an entry in ClinVar:

ClinVar aggregate classification (germline): Likely benign (0 of 4 stars; one submission).

Conditions:
MUSK-related disorder. Also called: MUSK-related condition; MUSK-related disorders.

Allele frequency attached by ClinVar (database versions not stated): gnomAD exomes 0.00005; ExAC 0.00024; ESP Exome Variant Server 0.00058; gnomAD 0.00058; TOPMed 0.00070; 1000 Genomes Project 0.00080; 1000 Genomes Project 30x 0.00094.
gnomAD v4.1: 162 of 1,582,522 alleles (0.01%); highest among the groups gnomAD compares: African/African-American, 0.21%; no homozygotes.

Submission:

PreventionGenetics, part of Exact Sciences
Classification: Likely benign for MUSK-related condition. Last evaluated: 2023-05-04. Review status: no assertion criteria provided. Collection method: clinical testing. Allele origin: germline.
Comment: This variant is classified as likely benign based on ACMG/AMP sequence variant interpretation guidelines (Richards et al. 2015 PMID: 25741868, with internal and published modifications).

NM_005592.4(MUSK):c.629-5544A>G

Gene: MUSK (muscle associated receptor tyrosine kinase; plus strand). Cytogenetic location: 9q31.3.
Variant type: single nucleotide variant.
Coding change: c.629-5544A>G on transcript NM_005592.4 (MANE Select); 5544 bases into the intron before coding-DNA position 629, A replaced by G.
Molecular consequence: intron variant. On other transcripts: synonymous variant (1).
Genome position (GRCh38, 1-based): chr9:110,728,707, A>G. VCF-style: chr9-110728707-A-G. GRCh37 (hg19) VCF-style: chr9-113490987-A-G.
Other names: c.648A>G, p.Gln216= (NM_001166280.2); c.629-5544A>G (NM_001166281.2); c.-609+412A>G (NM_001369398.1).
Identifiers: ClinVar variation 3036706 (VCV003036706.2), dbSNP rs368599855, ClinGen allele CA5184115.